The following is an entry in ClinVar:

ClinVar aggregate classification (germline): Conflicting classifications of pathogenicity. Review status: criteria provided, conflicting classifications (1 of 4 stars). 9 submissions from 8 submitters: Uncertain significance (3); Benign (1); Likely benign (4). 1 of the submissions does not count toward it. Last evaluated 2026-01-24.

Conditions:
Usher syndrome type 1 (USH1). Also called: RETINITIS PIGMENTOSA AND CONGENITAL DEAFNESS. Identifiers: Orphanet 231169, Orphanet 886, MedGen C1568247, MONDO:0010168, OMIM 276900.
Autosomal recessive nonsyndromic hearing loss 12. Also called: DEAFNESS, AUTOSOMAL RECESSIVE 12. Identifiers: Orphanet 90636, MedGen C1832394, MONDO:0011067, OMIM 601386.
Usher syndrome type 1D (USH1D). Also called: USHER SYNDROME, TYPE ID. Identifiers: Orphanet 231169, Orphanet 886, MedGen C1832845, MONDO:0010984, OMIM 601067.

Allele frequency attached by ClinVar (database versions not stated): gnomAD 0.00014 and 0.00018; ESP Exome Variant Server 0.00016; TOPMed 0.00022; gnomAD exomes 0.00023; ExAC 0.00033.
gnomAD v4.1: 378 of 1,610,166 alleles (0.023%); highest among the groups gnomAD compares: Middle Eastern, 1%; 4 homozygotes.

Submissions (9):

Labcorp Genetics (formerly Invitae), Labcorp
Classification: Benign. Last evaluated: 2026-01-24. Review status: criteria provided, single submitter. Criteria: Invitae Variant Classification Sherloc (09022015). Collection method: clinical testing. Allele origin: germline.

CeGaT Center for Human Genetics Tuebingen
Classification: Likely benign. Last evaluated: 2026-01-01. Review status: criteria provided, single submitter. Criteria: CeGaT Center For Human Genetics Tuebingen Variant Classification Criteria Version 2. Collection method: clinical testing. Allele origin: germline. Affected: yes. Observed: 6 variant alleles.
Comment: CDH23: BP4, BP7

Blueprint Genetics
Classification: Likely benign. Last evaluated: 2024-09-06. Review status: criteria provided, single submitter. Criteria: ACMG Guidelines, 2015. Collection method: clinical testing. Allele origin: germline.

GeneDx
Classification: Likely benign. Last evaluated: 2021-05-25. Review status: criteria provided, single submitter. Criteria: GeneDx Variant Classification Process June 2021. Collection method: clinical testing. Allele origin: germline. Affected: yes.

Illumina Laboratory Services, Illumina
Classification: Uncertain significance for Usher syndrome type 1D. Last evaluated: 2018-01-12. Review status: criteria provided, single submitter. Criteria: ICSL Variant Classification Criteria 13 December 2019. Collection method: clinical testing. Allele origin: germline.

Illumina Laboratory Services, Illumina
Classification: Uncertain significance for Autosomal recessive nonsyndromic hearing loss 12. Last evaluated: 2018-01-12. Review status: criteria provided, single submitter. Criteria: ICSL Variant Classification Criteria 13 December 2019. Collection method: clinical testing. Allele origin: germline.

Eurofins Ntd Llc (ga)
Classification: Uncertain significance. Last evaluated: 2014-04-27. Review status: criteria provided, single submitter. Criteria: EGL Classification Definitions 2015. Collection method: clinical testing. Allele origin: germline. Observed: 1 variant allele, 1 heterozygote.

Laboratory for Molecular Medicine, Mass General Brigham Personalized Medicine
Classification: Likely benign. Last evaluated: 2012-04-30. Review status: criteria provided, single submitter. Criteria: LMM Criteria. Collection method: clinical testing. Allele origin: germline. Observed: 1 variant allele.
Comment: Thr980Thr in Exon 25 of CDH23: This variant is not expected to have clinical sig nificance because it does not alter an amino acid residue, is not located within the splice consensus sequence, and has been identified in 3/6752 European Ameri can chromosomes from a broad population by the NHLBI Exome Sequencing Project.

Natera, Inc.
Classification: Uncertain significance for Usher syndrome type 1. Last evaluated: 2020-01-24. Review status: no assertion criteria provided. Collection method: clinical testing. Allele origin: germline. Not counted in ClinVar's aggregate classification.

NM_022124.6(CDH23):c.2940G>A (p.Thr980=)

Gene: CDH23 (cadherin related 23; plus strand). Cytogenetic location: 10q22.1.
Variant type: single nucleotide variant.
Coding change: c.2940G>A on transcript NM_022124.6 (MANE Select); coding-DNA position 2940, G replaced by A.
Protein change: p.Thr980=; no amino-acid change (threonine 980 retained).
Molecular consequence: synonymous variant.
Genome position (GRCh38, 1-based): chr10:71,705,117, G>A. VCF-style: chr10-71705117-G-A. GRCh37 (hg19) VCF-style: chr10-73464874-G-A.
Other names: c.2940G>A, p.Thr980= (NM_001171930.2, NM_001171931.2).
Identifiers: ClinVar variation 166809 (VCV000166809.51), dbSNP rs373631099, ClinGen allele CA233641.